The following is an entry in ClinVar:

ClinVar aggregate classification (germline): Uncertain significance. Review status: criteria provided, multiple submitters, no conflicts (2 of 4 stars). 2 submissions from 2 submitters: Uncertain significance (2). Last evaluated 2024-08-13.

Conditions:
Inborn genetic diseases. Identifiers: MedGen C0950123, MeSH D030342.

Allele frequency attached by ClinVar (database versions not stated): TOPMed below 0.00001; gnomAD 0.00001; ExAC 0.00002; gnomAD exomes 0.00002 and 0.00007.
gnomAD v4.1: 99 of 1,610,848 alleles (0.0061%); highest among the groups gnomAD compares: Non-Finnish European, 0.0082%; no homozygotes.

Submissions (2):

Labcorp Genetics (formerly Invitae), Labcorp
Classification: Uncertain significance. Last evaluated: 2024-08-13. Review status: criteria provided, single submitter. Criteria: Invitae Variant Classification Sherloc (09022015). Collection method: clinical testing. Allele origin: germline.
Comment: This sequence change replaces alanine, which is neutral and non-polar, with glycine, which is neutral and non-polar, at codon 1143 of the ARHGEF18 protein (p.Ala1143Gly). This variant is present in population databases (rs745386345, gnomAD 0.005%). This variant has not been reported in the literature in individuals affected with ARHGEF18-related conditions. ClinVar contains an entry for this variant (Variation ID: 1442720). An algorithm developed to predict the effect of missense changes on protein structure and function (PolyPhen-2) suggests that this variant¬†is likely to be tolerated. In summary, the available evidence is currently insufficient to determine the role of this variant in disease. Therefore, it has been classified as a Variant of Uncertain Significance.

Ambry Genetics
Classification: Uncertain significance for Inborn genetic diseases. Last evaluated: 2023-03-13. Review status: criteria provided, single submitter. Criteria: Ambry Variant Classification Scheme 2023. Collection method: clinical testing. Allele origin: germline.

NM_001367823.1(ARHGEF18):c.3992C>G (p.Ala1331Gly)

Gene: ARHGEF18 (Rho/Rac guanine nucleotide exchange factor 18; plus strand). Cytogenetic location: 19p13.2.
Variant type: single nucleotide variant.
Coding change: c.3992C>G on transcript NM_001367823.1 (MANE Select); coding-DNA position 3992, C replaced by G.
Protein change: p.Ala1331Gly; replaces alanine 1331 with glycine.
Molecular consequence: missense variant.
Genome position (GRCh38, 1-based): chr19:7,470,204, C>G. VCF-style: chr19-7470204-C-G. GRCh37 (hg19) VCF-style: chr19-7535090-C-G.
Other names: c.3266C>G, p.Ala1089Gly (NM_001130955.2); c.2954C>G, p.Ala985Gly (NM_001367824.1, NM_015318.4); c.3428C>G (NM_001130955.1); short protein forms A1331G, A985G, A1089G.
Identifiers: ClinVar variation 1442720 (VCV001442720.8), dbSNP rs745386345, ClinGen allele CA9137332.
Genomic context (GRCh38, chr19:7,470,204, plus strand): 5'-CGAGCCCACCGCCAGCTGACAGCCCCTCCGAGGGCTTCTCTCTCAAGGCCGGGGGCACAG[C>G]CCTCCTGCCCGGGCCCCCAGCTCCCTCGCCACTGCCGGCCACACCACTCAGCGCCAAGGA-3'
Protein context (NP_001354752.1, residues 1321-1341): EGFSLKAGGT[Ala1331Gly]LLPGPPAPSP